The following is an entry in ClinVar:

ClinVar aggregate classification (germline): Uncertain significance (1 of 4 stars; one submission).

Conditions:
Gingival disorder. Also called: Gingival disease. Identifiers: MedGen C0017563, MONDO:0002021.

Submission:

Labcorp Genetics (formerly Invitae), Labcorp
Classification: Uncertain significance for Gingival disorder. Last evaluated: 2025-03-16. Review status: criteria provided, single submitter. Criteria: Invitae Variant Classification Sherloc (09022015). Collection method: clinical testing. Allele origin: germline.
Comment: This sequence change replaces phenylalanine, which is neutral and non-polar, with leucine, which is neutral and non-polar, at codon 114 of the FPR1 protein (p.Phe114Leu). This variant is not present in population databases (gnomAD no frequency). This variant has not been reported in the literature in individuals affected with FPR1-related conditions. An algorithm developed to predict the effect of missense changes on protein structure and function (PolyPhen-2) suggests that this variant is likely to be disruptive. In summary, the available evidence is currently insufficient to determine the role of this variant in disease. Therefore, it has been classified as a Variant of Uncertain Significance.

NM_002029.4(FPR1):c.340T>C (p.Phe114Leu)

Gene: FPR1 (formyl peptide receptor 1; minus strand). Cytogenetic location: 19q13.41.
Variant type: single nucleotide variant.
Coding change: c.340T>C on transcript NM_002029.4 (MANE Select); coding-DNA position 340, T replaced by C.
Protein change: p.Phe114Leu; replaces phenylalanine 114 with leucine.
Molecular consequence: missense variant.
Genome position (GRCh38, 1-based): chr19:51,746,655, A>G on the plus strand (T>C on the coding strand, the complement: FPR1 is on the minus strand). VCF-style: chr19-51746655-A-G. GRCh37 (hg19) VCF-style: chr19-52249908-A-G.
Other names: c.340T>C, p.Phe114Leu (NM_001193306.2); short protein forms F114L.
Identifiers: ClinVar variation 4714785 (VCV004714785.1).